The following is an entry in ClinVar:

ClinVar aggregate classification (germline): Uncertain significance. Review status: criteria provided, multiple submitters, no conflicts (2 of 4 stars). 2 submissions from 2 submitters: Uncertain significance (2). Last evaluated 2023-02-28.

Conditions:
Inborn genetic diseases. Identifiers: MedGen C0950123, MeSH D030342.

Allele frequency attached by ClinVar (database versions not stated): ExAC 0.00001; gnomAD exomes 0.00001; TOPMed 0.00001.
gnomAD v4.1: 10 of 1,612,318 alleles (0.00062%); highest among the groups gnomAD compares: Middle Eastern, 0.018%; no homozygotes.

Submissions (2):

Ambry Genetics
Classification: Uncertain significance for Inborn genetic diseases. Last evaluated: 2023-02-28. Review status: criteria provided, single submitter. Criteria: Ambry Variant Classification Scheme 2023. Collection method: clinical testing. Allele origin: germline.

Labcorp Genetics (formerly Invitae), Labcorp
Classification: Uncertain significance. Last evaluated: 2022-07-27. Review status: criteria provided, single submitter. Criteria: Invitae Variant Classification Sherloc (09022015). Collection method: clinical testing. Allele origin: germline.
Comment: Algorithms developed to predict the effect of missense changes on protein structure and function are either unavailable or do not agree on the potential impact of this missense change (SIFT: "Deleterious"; PolyPhen-2: "Probably Damaging"; Align-GVGD: "Class C0"). In summary, the available evidence is currently insufficient to determine the role of this variant in disease. Therefore, it has been classified as a Variant of Uncertain Significance. This variant has not been reported in the literature in individuals affected with DOCK6-related conditions. This variant is present in population databases (rs747615911, gnomAD 0.003%). This sequence change replaces threonine, which is neutral and polar, with methionine, which is neutral and non-polar, at codon 1456 of the DOCK6 protein (p.Thr1456Met).

NM_020812.4(DOCK6):c.4367C>T (p.Thr1456Met)

Genes: DOCK6 (dedicator of cytokinesis 6; minus strand), DOCK6-AS1 (DOCK6 antisense RNA 1; plus strand). Cytogenetic location: 19p13.2.
Variant type: single nucleotide variant.
Coding change: c.4367C>T on transcript NM_020812.4 (MANE Select); coding-DNA position 4367, C replaced by T.
Protein change: p.Thr1456Met; replaces threonine 1456 with methionine.
Molecular consequence: missense variant.
Genome position (GRCh38, 1-based): chr19:11,213,300, G>A on the plus strand (C>T on the coding strand, the complement: DOCK6 is on the minus strand). VCF-style: chr19-11213300-G-A. GRCh37 (hg19) VCF-style: chr19-11323976-G-A.
Other names: c.4367C>T (NM_020812.2); c.4472C>T, p.Thr1491Met (NM_001367830.1); short protein forms T1491M, T1456M.
Identifiers: ClinVar variation 1924354 (VCV001924354.6), dbSNP rs747615911, ClinGen allele CA9206876.